The following is an entry in ClinVar:

ClinVar aggregate classification (germline): Conflicting classifications of pathogenicity. Review status: criteria provided, conflicting classifications (1 of 4 stars). 2 submissions from 2 submitters: Uncertain significance (1); Likely benign (1). Last evaluated 2025-12-10.

Conditions:
Inborn genetic diseases. Identifiers: MedGen C0950123, MeSH D030342.

Allele frequency attached by ClinVar (database versions not stated): gnomAD exomes 0.00001; ExAC 0.00002; TOPMed 0.00002; gnomAD 0.00003; 1000 Genomes Project 30x 0.00016; 1000 Genomes Project 0.00020.

Submissions (2):

Labcorp Genetics (formerly Invitae), Labcorp
Classification: Uncertain significance. Last evaluated: 2025-12-10. Review status: criteria provided, single submitter. Criteria: Invitae Variant Classification Sherloc (09022015). Collection method: clinical testing. Allele origin: germline.
Comment: This sequence change replaces alanine, which is neutral and non-polar, with threonine, which is neutral and polar, at codon 313 of the ABCC2 protein (p.Ala313Thr). This variant is present in population databases (rs565840553, gnomAD 0.01%). This variant has not been reported in the literature in individuals affected with ABCC2-related conditions. ClinVar contains an entry for this variant (Variation ID: 3128084). Invitae Evidence Modeling of protein sequence and biophysical properties (such as structural, functional, and spatial information, amino acid conservation, physicochemical variation, residue mobility, and thermodynamic stability) indicates that this missense variant is not expected to disrupt ABCC2 protein function with a negative predictive value of 80%. In summary, the available evidence is currently insufficient to determine the role of this variant in disease. Therefore, it has been classified as a Variant of Uncertain Significance.

Ambry Genetics
Classification: Likely benign for Inborn genetic diseases. Last evaluated: 2024-02-12. Review status: criteria provided, single submitter. Criteria: Ambry Variant Classification Scheme 2023. Collection method: clinical testing. Allele origin: germline.

NM_000392.5(ABCC2):c.937G>A (p.Ala313Thr)

Gene: ABCC2 (ATP binding cassette subfamily C member 2; plus strand). Cytogenetic location: 10q24.2.
Variant type: single nucleotide variant.
Coding change: c.937G>A on transcript NM_000392.5 (MANE Select); coding-DNA position 937, G replaced by A.
Protein change: p.Ala313Thr; replaces alanine 313 with threonine.
Molecular consequence: missense variant.
Genome position (GRCh38, 1-based): chr10:99,799,276, G>A. VCF-style: chr10-99799276-G-A. GRCh37 (hg19) VCF-style: chr10-101559033-G-A.
Other names: short protein forms A313T.
Identifiers: ClinVar variation 3128084 (VCV003128084.2), dbSNP rs565840553, ClinGen allele CA5643032.